The following is an entry in ClinVar:

ClinVar aggregate classification (germline): Likely benign (1 of 4 stars; one submission).

Conditions:
PKD1-related disorder. Also called: PKD1-related condition.

gnomAD v4.1: 2 of 1,604,866 alleles (0.00012%); highest among the groups gnomAD compares: Admixed American, 0.0017%; no homozygotes.

Submission:

PreventionGenetics, part of Exact Sciences
Classification: Likely benign for PKD1-related condition. Last evaluated: 2025-11-21. Review status: criteria provided, single submitter. Criteria: ACMG Guidelines, 2015. Collection method: clinical testing. Allele origin: germline.
Comment: This variant is classified as likely benign based on ACMG/AMP sequence variant interpretation guidelines (Richards et al. 2015 PMID: 25741868, with internal and published modifications).

NM_001009944.3(PKD1):c.6843C>G (p.Ser2281=)

Gene: PKD1 (polycystin 1, transient receptor potential channel interacting; minus strand). Cytogenetic location: 16p13.3.
Variant type: single nucleotide variant.
Coding change: c.6843C>G on transcript NM_001009944.3 (MANE Select); coding-DNA position 6843, C replaced by G.
Protein change: p.Ser2281=; no amino-acid change (serine 2281 retained).
Molecular consequence: synonymous variant.
Genome position (GRCh38, 1-based): chr16:2,108,324, G>C on the plus strand (C>G on the coding strand, the complement: PKD1 is on the minus strand). VCF-style: chr16-2108324-G-C. GRCh37 (hg19) VCF-style: chr16-2158325-G-C.
Other names: c.6843C>G, p.Ser2281= (NM_000296.4).
Identifiers: ClinVar variation 4978868 (VCV004978868.1).